The following is an entry in ClinVar:

NM_004415.4(DSP):c.8270A>C (p.Asp2757Ala)

Gene: DSP (desmoplakin; plus strand). Cytogenetic location: 6p24.3.
Variant type: single nucleotide variant.
Coding change: c.8270A>C on transcript NM_004415.4 (MANE Select); coding-DNA position 8270, A replaced by C.
Protein change: p.Asp2757Ala; replaces aspartic acid 2757 with alanine.
Molecular consequence: missense variant.
Genome position (GRCh38, 1-based): chr6:7,585,532, A>C. VCF-style: chr6-7585532-A-C. GRCh37 (hg19) VCF-style: chr6-7585765-A-C.
Other names: c.6473A>C, p.Asp2158Ala (NM_001008844.3); c.6941A>C, p.Asp2314Ala (NM_001319034.2); short protein forms D2314A, D2158A, D2757A.
Identifiers: ClinVar variation 1762703 (VCV001762703.2), dbSNP rs1759631449, ClinGen allele CA362694807.

ClinVar aggregate classification (germline): Uncertain significance (1 of 4 stars; one submission).

Conditions:
Cardiovascular phenotype. Identifiers: MedGen CN230736.

Submission:

Ambry Genetics
Classification: Uncertain significance for Cardiovascular phenotype. Last evaluated: 2022-07-23. Review status: criteria provided, single submitter. Criteria: Ambry Variant Classification Scheme 2023. Collection method: clinical testing. Allele origin: germline.
Comment: The p.D2757A variant (also known as c.8270A>C), located in coding exon 24 of the DSP gene, results from an A to C substitution at nucleotide position 8270. The aspartic acid at codon 2757 is replaced by alanine, an amino acid with dissimilar properties. This amino acid position is conserved. In addition, this alteration is predicted to be deleterious by in silico analysis. Since supporting evidence is limited at this time, the clinical significance of this alteration remains unclear.